The following is an entry in ClinVar:

NM_032043.3(BRIP1):c.94-8G>T

Gene: BRIP1 (BRCA1 interacting DNA helicase 1; minus strand). Cytogenetic location: 17q23.2.
Variant type: single nucleotide variant.
Coding change: c.94-8G>T on transcript NM_032043.3 (MANE Select); 8 bases into the intron before coding-DNA position 94, G replaced by T.
Molecular consequence: intron variant.
Genome position (GRCh38, 1-based): chr17:61,859,915, C>A on the plus strand (G>T on the coding strand, the complement: BRIP1 is on the minus strand). VCF-style: chr17-61859915-C-A. GRCh37 (hg19) VCF-style: chr17-59937276-C-A.
Identifiers: ClinVar variation 1139797 (VCV001139797.11), dbSNP rs750361927, ClinGen allele CA2499224819.
Genomic context (GRCh38, chr17:61,859,915, plus strand): 5'-CCTGTGGGACTCTCCAACAAACAATGTTGCTTGCTGTTTAATCCTCTGAGAATCTATGAA[C>A]ACAGAAACCAATGAAAATAATAAACATATTAACTTTATAAAGGTCTCTCTCCATCTGAAG-3'

ClinVar aggregate classification (germline): Likely benign. Review status: criteria provided, multiple submitters, no conflicts (2 of 4 stars). 2 submissions from 2 submitters: Likely benign (2). Last evaluated 2025-04-17.

Conditions:
Familial cancer of breast. Also called: Hereditary breast cancer; BREAST CANCER, FAMILIAL; hereditary breast carcinoma. Identifiers: Orphanet 227535, MedGen C0346153, MONDO:0016419, OMIM 114480. Disease mechanism: loss of function.
Fanconi anemia complementation group J. Also called: BRIP1-Related Fanconi Anemia. Identifiers: Orphanet 84, MedGen C1836860, MONDO:0012187, OMIM 609054.

Submissions (2):

Labcorp Genetics (formerly Invitae), Labcorp
Classification: Likely benign for Familial cancer of breast; Fanconi anemia complementation group J. Last evaluated: 2025-04-17. Review status: criteria provided, single submitter. Criteria: Invitae Variant Classification Sherloc (09022015). Collection method: clinical testing. Allele origin: germline.

Myriad Genetics, Inc.
Classification: Likely benign for Familial cancer of breast. Last evaluated: 2024-08-09. Review status: criteria provided, single submitter. Criteria: Myriad Autosomal Dominant, Autosomal Recessive and X-Linked Classification Criteria (2023). Collection method: clinical testing. Allele origin: unknown.
Comment: This variant is considered likely benign. This variant is intronic and is not expected to impact mRNA splicing.